The following is an entry in ClinVar:

NM_005198.5(CHKB):c.323C>T (p.Ala108Val)

Genes: CHKB-CPT1B (CHKB-CPT1B readthrough (NMD candidate); minus strand), CHKB (choline kinase beta; minus strand). Cytogenetic location: 22q13.33.
Variant type: single nucleotide variant.
Coding change: c.323C>T on transcript NM_005198.5 (MANE Select); coding-DNA position 323, C replaced by T.
Protein change: p.Ala108Val; replaces alanine 108 with valine.
Molecular consequence: missense variant. On other transcripts: non-coding transcript variant (1).
Genome position (GRCh38, 1-based): chr22:50,582,259, G>A on the plus strand (C>T on the coding strand, the complement: CHKB is on the minus strand). VCF-style: chr22-50582259-G-A. GRCh37 (hg19) VCF-style: chr22-51020688-G-A.
Other names: short protein forms A108V.
Identifiers: ClinVar variation 2174879 (VCV002174879.4), dbSNP rs967408054, ClinGen allele CA325540539.

ClinVar aggregate classification (germline): Uncertain significance (1 of 4 stars; one submission).

Conditions:
Megaconial type congenital muscular dystrophy (MDCMC). Also called: CHKB-Related Muscle Diseases; CHKB-Related Muscular Dystrophy; MUSCULAR DYSTROPHY, CONGENITAL, WITH MITOCHONDRIAL STRUCTURAL ABNORMALITIES. Identifiers: Orphanet 280671, MedGen C1865233, MONDO:0011246, OMIM 602541.

Allele frequency attached by ClinVar (database versions not stated): gnomAD exomes below 0.00001; gnomAD 0.00001.
gnomAD v4.1: 3 of 1,590,862 alleles (0.00019%); highest among the groups gnomAD compares: South Asian, 0.0023%; no homozygotes.

Submission:

Labcorp Genetics (formerly Invitae), Labcorp
Classification: Uncertain significance for Megaconial type congenital muscular dystrophy. Last evaluated: 2022-05-06. Review status: criteria provided, single submitter. Criteria: Invitae Variant Classification Sherloc (09022015). Collection method: clinical testing. Allele origin: germline.
Comment: This sequence change replaces alanine, which is neutral and non-polar, with valine, which is neutral and non-polar, at codon 108 of the CHKB protein (p.Ala108Val). The frequency data for this variant in the population databases is considered unreliable, as metrics indicate poor data quality at this position in the gnomAD database. This variant has not been reported in the literature in individuals affected with CHKB-related conditions. Algorithms developed to predict the effect of missense changes on protein structure and function (SIFT, PolyPhen-2, Align-GVGD) all suggest that this variant is likely to be tolerated. In summary, the available evidence is currently insufficient to determine the role of this variant in disease. Therefore, it has been classified as a Variant of Uncertain Significance.